The following is an entry in ClinVar:

ClinVar aggregate classification (germline): Pathogenic/Likely pathogenic. Review status: criteria provided, multiple submitters, no conflicts (2 of 4 stars). 2 submissions from 2 submitters: Pathogenic (1); Likely pathogenic (1). Last evaluated 2025-04-01.

Submissions (2):

CeGaT Center for Human Genetics Tuebingen
Classification: Likely pathogenic. Last evaluated: 2025-04-01. Review status: criteria provided, single submitter. Criteria: CeGaT Center For Human Genetics Tuebingen Variant Classification Criteria Version 2. Collection method: clinical testing. Allele origin: germline. Affected: yes. Observed: 1 variant allele.
Comment: KIF11: PM2, PS2:Moderate, PVS1:Moderate, PS4:Supporting

GeneDx
Classification: Pathogenic. Last evaluated: 2017-12-04. Review status: criteria provided, single submitter. Criteria: GeneDx Variant Classification (06012015). Collection method: clinical testing. Allele origin: germline. Affected: yes.
Comment: The c.2 T>C pathogenic variant in the KIF11 gene has been reported previously as an apparently de novo variant in an individual with features suggestive of KIF11-related disorder (Mirzaa et al., 2014; Mirzaa et al., 2015). As this pathogenic variant changes the translation initiator Methionine codon, the resultant protein is described as p.Met1?, using a question mark to signify that it is not known if the loss of Met1 means that all protein translation is completely prevented or if an abnormal protein is produced using an alternate Methionine. The c.2 T>C variant is not observed in large population cohorts (Lek et al., 2016). We interpret c.2 T>C as a pathogenic variant.

NM_004523.4(KIF11):c.2T>C (p.Met1Thr)

Gene: KIF11 (kinesin family member 11; plus strand). Cytogenetic location: 10q23.33.
Variant type: single nucleotide variant.
Coding change: c.2T>C on transcript NM_004523.4 (MANE Select); coding-DNA position 2, T replaced by C.
Protein change: p.Met1Thr; changes the start codon (methionine 1).
Molecular consequence: missense variant, initiator codon variant.
Genome position (GRCh38, 1-based): chr10:92,593,377, T>C. VCF-style: chr10-92593377-T-C. GRCh37 (hg19) VCF-style: chr10-94353134-T-C.
Other names: short protein forms M1T.
Identifiers: ClinVar variation 488843 (VCV000488843.10), dbSNP rs1554858130, ClinGen allele CA377585494.